The following is an entry in ClinVar:

ClinVar aggregate classification (germline): Uncertain significance. Review status: criteria provided, multiple submitters, no conflicts (2 of 4 stars). 2 submissions from 2 submitters: Uncertain significance (2). Last evaluated 2025-01-19.

Conditions:
Inborn genetic diseases. Identifiers: MedGen C0950123, MeSH D030342.
Immunodeficiency 35 (IMD35). Also called: TYK2 DEFICIENCY; Susceptibility to infection due to TYK2 deficiency; HIES WITH ATYPICAL MYCOBACTERIOSIS, AUTOSOMAL RECESSIVE; HYPER-IgE SYNDROME WITH ATYPICAL MYCOBACTERIOSIS, AUTOSOMAL RECESSIVE. Identifiers: Orphanet 331226, MedGen C1969086, MONDO:0012682, OMIM 611521.

Allele frequency attached by ClinVar (database versions not stated): gnomAD 0.00001; TOPMed 0.00001.
gnomAD v4.1: 27 of 1,612,798 alleles (0.0017%); highest among the groups gnomAD compares: East Asian, 0.013%; no homozygotes.

Submissions (2):

Ambry Genetics
Classification: Uncertain significance for Inborn genetic diseases. Last evaluated: 2025-01-19. Review status: criteria provided, single submitter. Criteria: Ambry Variant Classification Scheme 2023. Collection method: clinical testing. Allele origin: germline.

Labcorp Genetics (formerly Invitae), Labcorp
Classification: Uncertain significance for Immunodeficiency 35. Last evaluated: 2022-10-04. Review status: criteria provided, single submitter. Criteria: Invitae Variant Classification Sherloc (09022015). Collection method: clinical testing. Allele origin: germline.
Comment: This sequence change replaces arginine, which is basic and polar, with histidine, which is basic and polar, at codon 269 of the TYK2 protein (p.Arg269His). This variant is present in population databases (rs770841701, gnomAD 0.01%). This variant has not been reported in the literature in individuals affected with TYK2-related conditions. ClinVar contains an entry for this variant (Variation ID: 1444230). Advanced modeling of protein sequence and biophysical properties (such as structural, functional, and spatial information, amino acid conservation, physicochemical variation, residue mobility, and thermodynamic stability) performed at Invitae indicates that this missense variant is not expected to disrupt TYK2 protein function. In summary, the available evidence is currently insufficient to determine the role of this variant in disease. Therefore, it has been classified as a Variant of Uncertain Significance.

NM_003331.5(TYK2):c.806G>A (p.Arg269His)

Gene: TYK2 (tyrosine kinase 2; minus strand). Cytogenetic location: 19p13.2.
Variant type: single nucleotide variant.
Coding change: c.806G>A on transcript NM_003331.5 (MANE Select); coding-DNA position 806, G replaced by A.
Protein change: p.Arg269His; replaces arginine 269 with histidine.
Molecular consequence: missense variant.
Genome position (GRCh38, 1-based): chr19:10,365,722, C>T on the plus strand (G>A on the coding strand, the complement: TYK2 is on the minus strand). VCF-style: chr19-10365722-C-T. GRCh37 (hg19) VCF-style: chr19-10476398-C-T.
Other names: c.806G>A (NM_003331.4); c.806G>A, p.Arg269His (NM_001385197.1, NM_001385198.1, NM_001385199.1 and 7 more transcripts); c.716G>A, p.Arg239His (NM_001385205.1); short protein forms R239H, R269H.
Identifiers: ClinVar variation 1444230 (VCV001444230.4), dbSNP rs770841701, ClinGen allele CA9193610.